The following is an entry in ClinVar:

NC_000017.11:g.(?_61715941)_(61808767_?)del

Genes: BRIP1 (BRCA1 interacting DNA helicase 1; minus strand), LOC130061360 (ATAC-STARR-seq lymphoblastoid active region 12535; plus strand). Cytogenetic location: 17q23.2.
Variant type: Deletion.
Identifiers: ClinVar variation 657379 (VCV000657379.5).

ClinVar aggregate classification (germline): Pathogenic (1 of 4 stars; one submission).

Conditions:
Fanconi anemia complementation group J. Also called: BRIP1-Related Fanconi Anemia. Identifiers: Orphanet 84, MedGen C1836860, MONDO:0012187, OMIM 609054.
Familial cancer of breast. Also called: hereditary breast carcinoma; Hereditary breast cancer; BREAST CANCER, FAMILIAL. Identifiers: Orphanet 227535, MedGen C0346153, MONDO:0016419, OMIM 114480. Disease mechanism: loss of function.

Submission:

Labcorp Genetics (formerly Invitae), Labcorp
Classification: Pathogenic for Familial cancer of breast; Fanconi anemia complementation group J. Last evaluated: 2022-01-27. Review status: criteria provided, single submitter. Criteria: Invitae Variant Classification Sherloc (09022015). Collection method: clinical testing. Allele origin: germline.
Comment: For these reasons, this variant has been classified as Pathogenic. This variant has not been reported in the literature in individuals affected with BRIP1-related conditions. This variant is a gross deletion of the genomic region encompassing exon(s) 7-17 of the BRIP1 gene. This deletion is out-of-frame, and is expected to create a premature termination codon and result in an absent or disrupted protein product. Loss-of-function variants in BRIP1 are known to be pathogenic (PMID: 16116423, 17033622, 21964575).

Literature cited by the submitters: PubMed 16116423; PubMed 17033622; PubMed 21964575.